The following is an entry in ClinVar:

ClinVar aggregate classification (germline): Uncertain significance (1 of 4 stars; one submission).

Conditions:
Baller-Gerold syndrome (BGS). Also called: CRANIOSYNOSTOSIS WITH RADIAL DEFECTS. Identifiers: Orphanet 1225, MedGen C0265308, MONDO:0009039, OMIM 218600.

Allele frequency attached by ClinVar (database versions not stated): gnomAD exomes below 0.00001.
gnomAD v4.1: 2 of 1,612,260 alleles (0.00012%); highest among the groups gnomAD compares: Non-Finnish European, 0.00017%; no homozygotes.

Submission:

Labcorp Genetics (formerly Invitae), Labcorp
Classification: Uncertain significance for Baller-Gerold syndrome. Last evaluated: 2023-11-20. Review status: criteria provided, single submitter. Criteria: Invitae Variant Classification Sherloc (09022015). Collection method: clinical testing. Allele origin: germline.
Comment: This sequence change replaces tyrosine, which is neutral and polar, with histidine, which is basic and polar, at codon 1056 of the RECQL4 protein (p.Tyr1056His). This variant is not present in population databases (gnomAD no frequency). This variant has not been reported in the literature in individuals affected with RECQL4-related conditions. ClinVar contains an entry for this variant (Variation ID: 937449). Advanced modeling of protein sequence and biophysical properties (such as structural, functional, and spatial information, amino acid conservation, physicochemical variation, residue mobility, and thermodynamic stability) performed at Invitae indicates that this missense variant is not expected to disrupt RECQL4 protein function with a negative predictive value of 80%. In summary, the available evidence is currently insufficient to determine the role of this variant in disease. Therefore, it has been classified as a Variant of Uncertain Significance.

NM_004260.4(RECQL4):c.3166T>C (p.Tyr1056His)

Gene: RECQL4 (RecQ like helicase 4; minus strand). Cytogenetic location: 8q24.3.
Variant type: single nucleotide variant.
Coding change: c.3166T>C on transcript NM_004260.4 (MANE Select); coding-DNA position 3166, T replaced by C.
Protein change: p.Tyr1056His; replaces tyrosine 1056 with histidine.
Molecular consequence: missense variant.
Genome position (GRCh38, 1-based): chr8:144,512,214, A>G on the plus strand (T>C on the coding strand, the complement: RECQL4 is on the minus strand). VCF-style: chr8-144512214-A-G. GRCh37 (hg19) VCF-style: chr8-145737597-A-G.
Other names: short protein forms Y1056H.
Identifiers: ClinVar variation 937449 (VCV000937449.6), dbSNP rs1827370250, ClinGen allele CA372670124.